The following is an entry in ClinVar:

ClinVar aggregate classification (germline): Pathogenic (1 of 4 stars; one submission).

Submission:

Labcorp Genetics (formerly Invitae), Labcorp
Classification: Pathogenic. Last evaluated: 2024-07-31. Review status: criteria provided, single submitter. Criteria: Invitae Variant Classification Sherloc (09022015). Collection method: clinical testing. Allele origin: germline.
Comment: This sequence change creates a premature translational stop signal (p.Arg387Profs*9) in the ADAMTSL4 gene. It is expected to result in an absent or disrupted protein product. Loss-of-function variants in ADAMTSL4 are known to be pathogenic (PMID: 20564469, 28642162). This variant is present in population databases (rs771243690, gnomAD 0.01%). This variant has not been reported in the literature in individuals affected with ADAMTSL4-related conditions. ClinVar contains an entry for this variant (Variation ID: 1915899). For these reasons, this variant has been classified as Pathogenic.

Literature cited by the submitters: PubMed 20564469; PubMed 28642162.

NM_019032.6(ADAMTSL4):c.1159dup (p.Arg387fs)

Genes: ADAMTSL4 (ADAMTS like 4; plus strand), ADAMTSL4-AS2 (ADAMTSL4 antisense RNA 2; minus strand). Cytogenetic location: 1q21.2.
Variant type: Duplication.
Coding change: c.1159dup on transcript NM_019032.6 (MANE Select); coding-DNA position 1159, one base duplicated (C; older notation c.1159dupC).
Protein change: p.Arg387fs; shifts the reading frame from arginine 387.
Molecular consequence: frameshift variant.
Genome position (GRCh38, 1-based): chr1:150,554,392, C duplicated; the last of 5 consecutive C bases (chr1:150,554,388-150,554,392); duplicating any one gives the same sequence. VCF-style (leftmost placement, unchanged base first): chr1-150554387-A-AC. GRCh37 (hg19) VCF-style: chr1-150526863-A-AC.
Other names: c.1159dup, p.Arg387fs (NM_001288607.2, NM_001288608.2, NM_001378596.1 and 1 more transcripts); short protein forms R387fs.
Identifiers: ClinVar variation 1915899 (VCV001915899.5), dbSNP rs771243690, ClinGen allele CA1078153.